The following is an entry in ClinVar:

ClinVar aggregate classification (germline): Uncertain significance (1 of 4 stars; one submission).

Allele frequency attached by ClinVar (database versions not stated): gnomAD 0.00001.
gnomAD v4.1: 1 of 1,613,880 alleles (0.000062%); highest among the groups gnomAD compares: Non-Finnish European, 0.000085%; no homozygotes.

Submission:

GeneDx
Classification: Uncertain significance. Last evaluated: 2025-08-22. Review status: criteria provided, single submitter. Criteria: GeneDx Variant Classification Process June 2021. Collection method: clinical testing. Allele origin: germline. Affected: yes.
Comment: Not observed at significant frequency in large population cohorts (gnomAD); In silico analysis suggests that this missense variant does not alter protein structure/function; Has not been previously published as pathogenic or benign to our knowledge

NM_004086.3(COCH):c.389C>T (p.Thr130Ile)

Genes: COCH (cochlin; plus strand), COCH-AS1 (COCH antisense RNA 1; minus strand). Cytogenetic location: 14q12.
Variant type: single nucleotide variant.
Coding change: c.389C>T on transcript NM_004086.3 (MANE Select); coding-DNA position 389, C replaced by T.
Protein change: p.Thr130Ile; replaces threonine 130 with isoleucine.
Molecular consequence: missense variant.
Genome position (GRCh38, 1-based): chr14:30,879,438, C>T. VCF-style: chr14-30879438-C-T. GRCh37 (hg19) VCF-style: chr14-31348644-C-T.
Other names: c.389C>T, p.Thr130Ile (NM_001135058.2); c.584C>T, p.Thr195Ile (NM_001347720.2); short protein forms T130I, T195I.
Identifiers: ClinVar variation 1304668 (VCV001304668.3), dbSNP rs1895490540, ClinGen allele CA389344823.